The following is an entry in ClinVar:

ClinVar aggregate classification (germline): Uncertain significance (1 of 4 stars; one submission).

Allele frequency attached by ClinVar (database versions not stated): TOPMed below 0.00001.
gnomAD v4.1: 1 of 1,565,826 alleles (0.000064%); no homozygotes.

Submission:

Labcorp Genetics (formerly Invitae), Labcorp
Classification: Uncertain significance. Last evaluated: 2022-06-15. Review status: criteria provided, single submitter. Criteria: Invitae Variant Classification Sherloc (09022015). Collection method: clinical testing. Allele origin: germline.
Comment: In summary, the available evidence is currently insufficient to determine the role of this variant in disease. Therefore, it has been classified as a Variant of Uncertain Significance. Advanced modeling of protein sequence and biophysical properties (such as structural, functional, and spatial information, amino acid conservation, physicochemical variation, residue mobility, and thermodynamic stability) performed at Invitae indicates that this missense variant is not expected to disrupt COL11A2 protein function. This variant has not been reported in the literature in individuals affected with COL11A2-related conditions. This variant is not present in population databases (gnomAD no frequency). This sequence change replaces glycine, which is neutral and non-polar, with arginine, which is basic and polar, at codon 19 of the COL11A2 protein (p.Gly19Arg).

NM_080680.3(COL11A2):c.55G>C (p.Gly19Arg)

Gene: COL11A2 (collagen type XI alpha 2 chain; minus strand). Cytogenetic location: 6p21.32.
Variant type: single nucleotide variant.
Coding change: c.55G>C on transcript NM_080680.3 (MANE Select); coding-DNA position 55, G replaced by C.
Protein change: p.Gly19Arg; replaces glycine 19 with arginine.
Molecular consequence: missense variant.
Genome position (GRCh38, 1-based): chr6:33,192,186, C>G on the plus strand (G>C on the coding strand, the complement: COL11A2 is on the minus strand). VCF-style: chr6-33192186-C-G. GRCh37 (hg19) VCF-style: chr6-33159963-C-G.
Other names: c.55G>C, p.Gly19Arg (NM_001163771.2, NM_080679.3, NM_080681.3); short protein forms G19R.
Identifiers: ClinVar variation 1372682 (VCV001372682.6), dbSNP rs1773202958, ClinGen allele CA363614941.